The following is an entry in ClinVar:

NM_004179.3(TPH1):c.804-7C>A

Gene: TPH1 (tryptophan hydroxylase 1; minus strand). Cytogenetic location: 11p15.1.
Variant type: single nucleotide variant.
Coding change: c.804-7C>A on transcript NM_004179.3 (MANE Select); 7 bases into the intron before coding-DNA position 804, C replaced by A.
Molecular consequence: intron variant.
Genome position (GRCh38, 1-based): chr11:18,025,708, G>T on the plus strand (C>A on the coding strand, the complement: TPH1 is on the minus strand). VCF-style: chr11-18025708-G-T. GRCh37 (hg19) VCF-style: chr11-18047255-G-T.
Identifiers: ClinVar variation 3060644 (VCV003060644.2), dbSNP rs1799913, ClinGen allele CA5907469.

ClinVar aggregate classification (germline): Benign (0 of 4 stars; one submission).

Conditions:
TPH1-related disorder. Also called: TPH1-related condition.

Allele frequency attached by ClinVar (database versions not stated): ESP Exome Variant Server 0.31580; 1000 Genomes Project 30x 0.31683; 1000 Genomes Project 0.32109; TOPMed 0.32980; ExAC 0.38356.
gnomAD v4.1: 623,458 of 1,613,054 alleles (39%); highest among the groups gnomAD compares: East Asian, 48%; 123,521 homozygotes.

Submission:

PreventionGenetics, part of Exact Sciences
Classification: Benign for TPH1-related condition. Last evaluated: 2019-10-18. Review status: no assertion criteria provided. Collection method: clinical testing. Allele origin: germline.
Comment: This variant is classified as benign based on ACMG/AMP sequence variant interpretation guidelines (Richards et al. 2015 PMID: 25741868, with internal and published modifications).